The following is an entry in ClinVar:

NM_001358921.2(COQ2):c.629-3_629del

Gene: COQ2 (coenzyme Q2, polyprenyltransferase; minus strand). Cytogenetic location: 4q21.23.
Variant type: Deletion.
Coding change: c.629-3_629del on transcript NM_001358921.2 (MANE Select); 3 bases into the intron before coding-DNA position 629 through coding-DNA position 629, 4 bases deleted (TAGG; older notation c.629-3_629delTAGG).
Molecular consequence: splice acceptor variant.
Genome position (GRCh38, 1-based): chr4:83,269,993-83,269,996, CCTA deleted on the plus strand (TAGG on the coding strand, the reverse complement: COQ2 is on the minus strand); deleting any 4 consecutive bases within chr4:83,269,993-83,269,997 gives the same sequence; the c. name uses the placement nearest the transcript's 3' end. VCF-style (leftmost placement, unchanged base first): chr4-83269992-GCCTA-G. GRCh37 (hg19) VCF-style: chr4-84191145-GCCTA-G.
Other names: c.779-3_779del (NM_015697.9).
Identifiers: ClinVar variation 2974827 (VCV002974827.3), dbSNP rs937215195, ClinGen allele CA100652419.
Genomic context (GRCh38, chr4:83,269,992, plus strand): 5'-TGGATCACAGGAACCCTTGATAGCAGACCATCCAAGTAACGCTCCCCAATTAAATGTCAA[GCCTA>G]CAATTAGCAAAACACAAAAAGGGGGAAAGTCTGTATGTACTTTAGAATCCTAAAGGGAAG-3'

ClinVar aggregate classification (germline): Likely pathogenic (1 of 4 stars; one submission).

Submission:

Labcorp Genetics (formerly Invitae), Labcorp
Classification: Likely pathogenic. Last evaluated: 2024-03-11. Review status: criteria provided, single submitter. Criteria: Invitae Variant Classification Sherloc (09022015). Collection method: clinical testing. Allele origin: germline.
Comment: This variant results in the deletion of part of exon 5 (c.779-3_779del) of the COQ2 gene. It is expected to disrupt RNA splicing. Variants that disrupt the donor or acceptor splice site typically lead to a loss of protein function (PMID: 16199547), and loss-of-function variants in COQ2 are known to be pathogenic (PMID: 16400613, 17374725). This variant is present in population databases (no rsID available, gnomAD 0.007%). This variant has not been reported in the literature in individuals affected with COQ2-related conditions. Algorithms developed to predict the effect of sequence changes on RNA splicing suggest that this variant may disrupt the consensus splice site. In summary, the currently available evidence indicates that the variant is pathogenic, but additional data are needed to prove that conclusively. Therefore, this variant has been classified as Likely Pathogenic.

Literature cited by the submitters: PubMed 16199547; PubMed 16400613; PubMed 17374725.